The following is an entry in ClinVar:

NM_014476.6(PDLIM3):c.386C>T (p.Pro129Leu)

Genes: PDLIM3 (PDZ and LIM domain 3; minus strand), LOC126807246 (BRD4-independent group 4 enhancer GRCh37_chr4:186434842-186436041; plus strand). Cytogenetic location: 4q35.1.
Variant type: single nucleotide variant.
Coding change: c.386C>T on transcript NM_014476.6 (MANE Select); coding-DNA position 386, C replaced by T.
Protein change: p.Pro129Leu; replaces proline 129 with leucine.
Molecular consequence: missense variant. On other transcripts: intron variant (1).
Genome position (GRCh38, 1-based): chr4:185,514,282, G>A on the plus strand (C>T on the coding strand, the complement: PDLIM3 is on the minus strand). VCF-style: chr4-185514282-G-A. GRCh37 (hg19) VCF-style: chr4-186435436-G-A.
Other names: c.386C>T, p.Pro129Leu (NM_001257962.2); c.149C>T, p.Pro50Leu (NM_001257963.2); c.518+421C>T (NM_001114107.5); c.386C>T (NM_014476.4); short protein forms P50L, P129L.
Identifiers: ClinVar variation 2066170 (VCV002066170.6), dbSNP rs1418573250, ClinGen allele CA358924912.

ClinVar aggregate classification (germline): Uncertain significance. Review status: criteria provided, multiple submitters, no conflicts (2 of 4 stars). 2 submissions from 2 submitters: Uncertain significance (2). Last evaluated 2024-05-22.

Conditions:
Hypertrophic cardiomyopathy. Also called: HYPERTROPHIC MYOCARDIOPATHY. Identifiers: Orphanet 217569, MedGen C0007194, MeSH D002312, MONDO:0005045, HP:0001639.
Primary dilated cardiomyopathy (DCM). Also called: Dilated Cardiomyopathy. Identifiers: Orphanet 217604, MedGen C0007193, MeSH D002311, MONDO:0005021, HP:0001644. Inheritance: Various modes of inheritance.

Allele frequency attached by ClinVar (database versions not stated): gnomAD exomes below 0.00001; TOPMed 0.00001; gnomAD 0.00003.
gnomAD v4.1: 6 of 1,614,056 alleles (0.00037%); highest among the groups gnomAD compares: Admixed American, 0.005%; no homozygotes.

Submissions (2):

Labcorp Genetics (formerly Invitae), Labcorp
Classification: Uncertain significance for Hypertrophic cardiomyopathy; Primary dilated cardiomyopathy. Last evaluated: 2024-05-22. Review status: criteria provided, single submitter. Criteria: Invitae Variant Classification Sherloc (09022015). Collection method: clinical testing. Allele origin: germline.
Comment: This sequence change replaces proline, which is neutral and non-polar, with leucine, which is neutral and non-polar, at codon 129 of the PDLIM3 protein (p.Pro129Leu). This variant is present in population databases (no rsID available, gnomAD 0.003%). This variant has not been reported in the literature in individuals affected with PDLIM3-related conditions. ClinVar contains an entry for this variant (Variation ID: 2066170). An algorithm developed to predict the effect of missense changes on protein structure and function (PolyPhen-2) suggests that this variant is likely to be disruptive. In summary, the available evidence is currently insufficient to determine the role of this variant in disease. Therefore, it has been classified as a Variant of Uncertain Significance.

Ambry Genetics
Classification: Uncertain significance. Last evaluated: 2023-03-05. Review status: criteria provided, single submitter. Criteria: Ambry Variant Classification Scheme 2023. Collection method: clinical testing. Allele origin: germline.
Comment: The p.P129L variant (also known as c.386C>T), located in coding exon 4 of the PDLIM3 gene, results from a C to T substitution at nucleotide position 386. The proline at codon 129 is replaced by leucine, an amino acid with similar properties. This amino acid position is conserved. In addition, this alteration is predicted to be tolerated by in silico analysis. Since supporting evidence is limited at this time, the clinical significance of this alteration remains unclear.